The following is an entry in ClinVar:

NM_005343.4(HRAS):c.306G>C (p.Arg102=)

Genes: HRAS (HRas proto-oncogene, GTPase; minus strand), LRRC56 (leucine rich repeat containing 56; plus strand). Cytogenetic location: 11p15.5.
Variant type: single nucleotide variant.
Coding change: c.306G>C on transcript NM_005343.4 (MANE Select); coding-DNA position 306, G replaced by C.
Protein change: p.Arg102=; no amino-acid change (arginine 102 retained).
Molecular consequence: synonymous variant. On other transcripts: 5 prime UTR variant (1).
Genome position (GRCh38, 1-based): chr11:533,597, C>G on the plus strand (G>C on the coding strand, the complement: HRAS is on the minus strand). VCF-style: chr11-533597-C-G. GRCh37 (hg19) VCF-style: chr11-533597-C-G.
Other names: c.306G>C, p.Arg102= (NM_001130442.3, NM_176795.5); c.-14G>C (NM_001318054.2).
Identifiers: ClinVar variation 3058014 (VCV003058014.2), dbSNP rs1254507057, ClinGen allele CA472429448.

ClinVar aggregate classification (germline): Likely benign (0 of 4 stars; one submission).

Conditions:
HRAS-related disorder. Also called: HRAS-related condition.

Submission:

PreventionGenetics, part of Exact Sciences
Classification: Likely benign for HRAS-related condition. Last evaluated: 2021-11-10. Review status: no assertion criteria provided. Collection method: clinical testing. Allele origin: germline.
Comment: This variant is classified as likely benign based on ACMG/AMP sequence variant interpretation guidelines (Richards et al. 2015 PMID: 25741868, with internal and published modifications).